The following is an entry in ClinVar:

ClinVar aggregate classification (germline): Likely benign. Review status: criteria provided, single submitter (1 of 4 stars). 2 submissions from 2 submitters: Likely benign (1). 1 of the submissions does not count toward it. Last evaluated 2023-11-10.

Conditions:
PLXNA2-related disorder. Also called: PLXNA2-related condition.

Allele frequency attached by ClinVar (database versions not stated): TOPMed 0.00001; gnomAD 0.00002.
gnomAD v4.1: 77 of 1,613,956 alleles (0.0048%); highest among the groups gnomAD compares: South Asian, 0.021%; no homozygotes.

Submissions (2):

Labcorp Genetics (formerly Invitae), Labcorp
Classification: Likely benign. Last evaluated: 2023-11-10. Review status: criteria provided, single submitter. Criteria: Invitae Variant Classification Sherloc (09022015). Collection method: clinical testing. Allele origin: germline.

PreventionGenetics, part of Exact Sciences
Classification: Likely benign for PLXNA2-related condition. Last evaluated: 2023-02-06. Review status: no assertion criteria provided. Collection method: clinical testing. Allele origin: germline. Not counted in ClinVar's aggregate classification.
Comment: This variant is classified as likely benign based on ACMG/AMP sequence variant interpretation guidelines (Richards et al. 2015 PMID: 25741868, with internal and published modifications).

NM_025179.4(PLXNA2):c.2664C>T (p.Ser888=)

Gene: PLXNA2 (plexin A2; minus strand). Cytogenetic location: 1q32.2.
Variant type: single nucleotide variant.
Coding change: c.2664C>T on transcript NM_025179.4 (MANE Select); coding-DNA position 2664, C replaced by T.
Protein change: p.Ser888=; no amino-acid change (serine 888 retained).
Molecular consequence: synonymous variant.
Genome position (GRCh38, 1-based): chr1:208,060,760, G>A on the plus strand (C>T on the coding strand, the complement: PLXNA2 is on the minus strand). VCF-style: chr1-208060760-G-A. GRCh37 (hg19) VCF-style: chr1-208234105-G-A.
Other names: c.2664C>T (NM_025179.3).
Identifiers: ClinVar variation 2894683 (VCV002894683.4), dbSNP rs1280328821, ClinGen allele CA422996266.